The following is an entry in ClinVar:

NM_002439.5(MSH3):c.1307C>G (p.Thr436Arg)

Gene: MSH3 (mutS homolog 3; plus strand). Cytogenetic location: 5q14.1.
Variant type: single nucleotide variant.
Coding change: c.1307C>G on transcript NM_002439.5 (MANE Select); coding-DNA position 1307, C replaced by G.
Protein change: p.Thr436Arg; replaces threonine 436 with arginine.
Molecular consequence: missense variant.
Genome position (GRCh38, 1-based): chr5:80,679,060, C>G. VCF-style: chr5-80679060-C-G. GRCh37 (hg19) VCF-style: chr5-79974879-C-G.
Other names: c.1307C>G (NM_002439.3); short protein forms T436R.
Identifiers: ClinVar variation 1042624 (VCV001042624.6), dbSNP rs974762625, ClinGen allele CA360269088.
Genomic context (GRCh38, chr5:80,679,060, plus strand): 5'-CCCGGATGTCAAGCCTGCAGCCAGTAGAGCTGCTGCTTCCTTCGGCCTTGTCCGAGCAAA[C>G]AGAGGCGCTCATCCACAGAGCCACATCTGTTAGGTAAGTTGGCACATCACTGGAATATAA-3'
Protein context (NP_002430.3, residues 426-446): LLLPSALSEQ[Thr436Arg]EALIHRATSV

ClinVar aggregate classification (germline): Uncertain significance. Review status: criteria provided, multiple submitters, no conflicts (2 of 4 stars). 2 submissions from 2 submitters: Uncertain significance (2). Last evaluated 2024-10-29.

Conditions:
Hereditary cancer-predisposing syndrome. Also called: Hereditary Cancer Syndrome; Tumor predisposition; Hereditary neoplastic syndrome; Neoplastic Syndromes, Hereditary. Identifiers: Orphanet 140162, MedGen C0027672, MeSH D009386, MONDO:0015356.

Allele frequency attached by ClinVar (database versions not stated): gnomAD exomes below 0.00001.
gnomAD v4.1: 1 of 1,614,078 alleles (0.000062%); highest among the groups gnomAD compares: East Asian, 0.0022%; no homozygotes.

Submissions (2):

Labcorp Genetics (formerly Invitae), Labcorp
Classification: Uncertain significance. Last evaluated: 2024-10-29. Review status: criteria provided, single submitter. Criteria: Invitae Variant Classification Sherloc (09022015). Collection method: clinical testing. Allele origin: germline.
Comment: This sequence change replaces threonine, which is neutral and polar, with arginine, which is basic and polar, at codon 436 of the MSH3 protein (p.Thr436Arg). This variant is present in population databases (no rsID available, gnomAD 0.006%). This variant has not been reported in the literature in individuals affected with MSH3-related conditions. ClinVar contains an entry for this variant (Variation ID: 1042624). An algorithm developed to predict the effect of missense changes on protein structure and function (PolyPhen-2) suggests that this variant is likely to be disruptive. In summary, the available evidence is currently insufficient to determine the role of this variant in disease. Therefore, it has been classified as a Variant of Uncertain Significance.

Ambry Genetics
Classification: Uncertain significance for Hereditary cancer-predisposing syndrome. Last evaluated: 2023-03-08. Review status: criteria provided, single submitter. Criteria: Ambry Variant Classification Scheme 2023. Collection method: clinical testing. Allele origin: germline.
Comment: The p.T436R variant (also known as c.1307C>G), located in coding exon 8 of the MSH3 gene, results from a C to G substitution at nucleotide position 1307. The threonine at codon 436 is replaced by arginine, an amino acid with similar properties. This amino acid position is conserved. In addition, this alteration is predicted to be deleterious by in silico analysis. Since supporting evidence is limited at this time, the clinical significance of this alteration remains unclear.